The following is an entry in ClinVar:

NM_014712.3(SETD1A):c.2737C>T (p.Arg913Cys)

Gene: SETD1A (SET domain containing 1A, histone lysine methyltransferase; plus strand). Cytogenetic location: 16p11.2.
Variant type: single nucleotide variant.
Coding change: c.2737C>T on transcript NM_014712.3 (MANE Select); coding-DNA position 2737, C replaced by T.
Protein change: p.Arg913Cys; replaces arginine 913 with cysteine.
Molecular consequence: missense variant.
Genome position (GRCh38, 1-based): chr16:30,967,555, C>T. VCF-style: chr16-30967555-C-T. GRCh37 (hg19) VCF-style: chr16-30978876-C-T.
Other names: short protein forms R913C.
Identifiers: ClinVar variation 834090 (VCV000834090.7), dbSNP rs2056165149, ClinGen allele CA395620978.
Genomic context (GRCh38, chr16:30,967,555, plus strand): 5'-CCCCAGGTAAAGCGGAAAGAGCCATCGGAAATTTCCGAGGCCAGTGAGGAAAAGAGGCCT[C>T]GTCCCTCCACTCCTGCTGAGGAAGATGAAGACGGTGAGCAGGGTCAGGCATAAGGAGAAG-3'
Protein context (NP_055527.1, residues 903-923): ISEASEEKRP[Arg913Cys]PSTPAEEDED

ClinVar aggregate classification (germline): Likely pathogenic. Review status: criteria provided, multiple submitters, no conflicts (2 of 4 stars). 3 submissions from 3 submitters: Likely pathogenic (2). 1 of the submissions does not count toward it. Last evaluated 2023-06-21.

Conditions:
Epilepsy, early-onset, with or without developmental delay. Identifiers: MedGen C5882670, MONDO:0030005, OMIM 618832.

Allele frequency attached by ClinVar (database versions not stated): gnomAD 0.00001; gnomAD exomes 0.00002.
gnomAD v4.1: 12 of 1,613,834 alleles (0.00074%); highest among the groups gnomAD compares: East Asian, 0.018%; no homozygotes.

Submissions (3):

Institute for Clinical Genetics, University Hospital TU Dresden, University Hospital TU Dresden
Classification: Likely pathogenic. Last evaluated: 2023-06-21. Review status: criteria provided, single submitter. Criteria: ACMG Guidelines, 2015. Collection method: clinical testing. Allele origin: maternal.

Greenwood Genetic Center Diagnostic Laboratories, Greenwood Genetic Center
Classification: Likely pathogenic for Epilepsy, early-onset, with or without developmental delay. Last evaluated: 2021-04-29. Review status: criteria provided, single submitter. Criteria: ACMG Guidelines, 2015. Collection method: clinical testing. Allele origin: germline. Affected: yes.
Comment: PS3, PP3, PM2

OMIM
Classification: Pathogenic for EPILEPSY, EARLY-ONSET, 2, WITHOUT DEVELOPMENTAL DELAY. Last evaluated: 2023-08-14. Review status: no assertion criteria provided. Collection method: literature only. Allele origin: germline. Not counted in ClinVar's aggregate classification.

Literature cited by the submitters: PubMed 31197650 (cited by OMIM).